The following is an entry in ClinVar:

NM_001112741.2(KCNC1):c.1664C>T (p.Ala555Val)

Gene: KCNC1 (potassium voltage-gated channel subfamily C member 1; plus strand). Cytogenetic location: 11p15.1.
Variant type: single nucleotide variant.
Coding change: c.1664C>T on transcript NM_001112741.2 (MANE Select); coding-DNA position 1664, C replaced by T.
Protein change: p.Ala555Val; replaces alanine 555 with valine.
Molecular consequence: missense variant.
Genome position (GRCh38, 1-based): chr11:17,779,615, C>T. VCF-style: chr11-17779615-C-T. GRCh37 (hg19) VCF-style: chr11-17801162-C-T.
Other names: short protein forms A555V.
Identifiers: ClinVar variation 1044767 (VCV001044767.13), dbSNP rs1006803225, ClinGen allele CA218475399.
Genomic context (GRCh38, chr11:17,779,615, plus strand): 5'-CGCGCTCGGGCACCCGCGAGAGATACGGACCCTGCTTCCTCTTATCAACCGGGGAGTACG[C>T]GTGCCCACCTGGTGGAGGAATGAGAAAGGGTATGTAGAGGAAGCTGGAGCACCGTGCATC-3'
Protein context (NP_001106212.1, residues 545-565): PCFLLSTGEY[Ala555Val]CPPGGGMRKD

ClinVar aggregate classification (germline): Uncertain significance. Review status: criteria provided, multiple submitters, no conflicts (2 of 4 stars). 2 submissions from 2 submitters: Uncertain significance (2). Last evaluated 2025-01-23.

Conditions:
Progressive myoclonic epilepsy type 7. Identifiers: Orphanet 435438, MedGen C4015420, MONDO:0014521, OMIM 616187.

Allele frequency attached by ClinVar (database versions not stated): gnomAD 0.00001; TOPMed 0.00001; gnomAD exomes 0.00002.
gnomAD v4.1: 26 of 1,549,406 alleles (0.0017%); highest among the groups gnomAD compares: Admixed American, 0.002%; no homozygotes.

Submissions (2):

GeneDx
Classification: Uncertain significance. Last evaluated: 2025-01-23. Review status: criteria provided, single submitter. Criteria: GeneDx Variant Classification Process June 2021. Collection method: clinical testing. Allele origin: germline. Affected: yes.
Comment: In silico analysis indicates that this missense variant does not alter protein structure/function; Has not been previously published as pathogenic or benign to our knowledge

Labcorp Genetics (formerly Invitae), Labcorp
Classification: Uncertain significance for Progressive myoclonic epilepsy type 7. Last evaluated: 2023-11-20. Review status: criteria provided, single submitter. Criteria: Invitae Variant Classification Sherloc (09022015). Collection method: clinical testing. Allele origin: germline.
Comment: This sequence change replaces alanine, which is neutral and non-polar, with valine, which is neutral and non-polar, at codon 555 of the KCNC1 protein (p.Ala555Val). The frequency data for this variant in the population databases is considered unreliable, as metrics indicate poor data quality at this position in the gnomAD database. This variant has not been reported in the literature in individuals affected with KCNC1-related conditions. ClinVar contains an entry for this variant (Variation ID: 1044767). Advanced modeling of protein sequence and biophysical properties (such as structural, functional, and spatial information, amino acid conservation, physicochemical variation, residue mobility, and thermodynamic stability) performed at Invitae indicates that this missense variant is expected to disrupt KCNC1 protein function with a positive predictive value of 95%. In summary, the available evidence is currently insufficient to determine the role of this variant in disease. Therefore, it has been classified as a Variant of Uncertain Significance.